The following is an entry in ClinVar:

ClinVar aggregate classification (germline): Uncertain significance. Review status: criteria provided, multiple submitters, no conflicts (2 of 4 stars). 3 submissions from 3 submitters: Uncertain significance (3). Last evaluated 2025-08-26.

Conditions:
Autosomal recessive limb-girdle muscular dystrophy. Identifiers: Orphanet 102015, MedGen C2931907, MONDO:0015152.
Neuromuscular disease caused by qualitative or quantitative defects of dysferlin. Also called: Dysferlinopathy; Qualitative or quantitative defects of dysferlin. Identifiers: Orphanet 207073, MedGen C2931687, MONDO:0016145.

Submissions (3):

Myriad Genetics, Inc.
Classification: Uncertain significance for Autosomal recessive limb-girdle muscular dystrophy. Last evaluated: 2025-08-26. Review status: criteria provided, single submitter. Criteria: Myriad Autosomal Dominant, Autosomal Recessive and X-Linked Classification Criteria (2023). Collection method: clinical testing. Allele origin: unknown.
Comment: NM_003494.3(DYSF):c.3671T>C(I1224T) is a missense variant classified as a variant of uncertain significance in the context of dysferlinopathy. I1224T has been observed in a case with relevant disease (PMID: 39678382). Relevant functional assessments of this variant are not available in the literature. I1224T has not been observed in referenced population frequency databases. In summary, there is insufficient evidence to classify NM_003494.3(DYSF):c.3671T>C(I1224T) as pathogenic or benign. Please note: this variant was assessed in the context of healthy population screening.

Labcorp Genetics (formerly Invitae), Labcorp
Classification: Uncertain significance for Neuromuscular disease caused by qualitative or quantitative defects of dysferlin. Last evaluated: 2023-06-29. Review status: criteria provided, single submitter. Criteria: Invitae Variant Classification Sherloc (09022015). Collection method: clinical testing. Allele origin: germline.
Comment: ClinVar contains an entry for this variant (Variation ID: 471299). This variant has not been reported in the literature in individuals affected with DYSF-related conditions. This variant is not present in population databases (gnomAD no frequency). This sequence change replaces isoleucine, which is neutral and non-polar, with threonine, which is neutral and polar, at codon 1224 of the DYSF protein (p.Ile1224Thr). Advanced modeling of protein sequence and biophysical properties (such as structural, functional, and spatial information, amino acid conservation, physicochemical variation, residue mobility, and thermodynamic stability) has been performed at Invitae for this missense variant, however the output from this modeling did not meet the statistical confidence thresholds required to predict the impact of this variant on DYSF protein function. In summary, the available evidence is currently insufficient to determine the role of this variant in disease. Therefore, it has been classified as a Variant of Uncertain Significance.

Breakthrough Genomics
Classification: Uncertain significance. Review status: criteria provided, single submitter. Criteria: ACMG Guidelines, 2015. Collection method: not provided. Allele origin: germline. Inheritance: Autosomal recessive inheritance. Affected: yes.

Literature cited by the submitters: PubMed 39678382 (cited by Myriad Genetics, Inc.).

NM_001130987.2(DYSF):c.3725T>C (p.Ile1242Thr)

Gene: DYSF (dysferlin; plus strand). Cytogenetic location: 2p13.2.
Variant type: single nucleotide variant.
Coding change: c.3725T>C on transcript NM_001130987.2 (MANE Select); coding-DNA position 3725, T replaced by C.
Protein change: p.Ile1242Thr; replaces isoleucine 1242 with threonine.
Molecular consequence: missense variant.
Genome position (GRCh38, 1-based): chr2:71,598,714, T>C. VCF-style: chr2-71598714-T-C. GRCh37 (hg19) VCF-style: chr2-71825844-T-C.
Other names: c.3674T>C, p.Ile1225Thr (NM_001130455.2, NM_001130983.2); c.3629T>C, p.Ile1210Thr (NM_001130976.2, NM_001130977.2); c.3671T>C, p.Ile1224Thr (NM_001130978.2, NM_003494.4); c.3764T>C, p.Ile1255Thr (NM_001130979.2); c.3722T>C, p.Ile1241Thr (NM_001130980.2, NM_001130981.2); c.3767T>C, p.Ile1256Thr (NM_001130982.2); c.3632T>C, p.Ile1211Thr (NM_001130984.2, NM_001130986.2); c.3725T>C, p.Ile1242Thr (NM_001130985.2); short protein forms I1224T, I1242T, I1210T, I1256T, I1225T, I1241T, I1255T, I1211T.
Identifiers: ClinVar variation 471299 (VCV000471299.13), dbSNP rs1553375353, ClinGen allele CA347224292.
Genomic context (GRCh38, chr2:71,598,714, plus strand): 5'-TCTTCTACGAGATCGAGATCTTTGGCGAGCCGGCCACAGTTGCTGAGCAACCGCCCAGCA[T>C]TGTGGTGGAGCTGTACGACCATGACACTTATGTGAGTCTGCCCAGCTCCTGCCTCGTCCC-3'
Protein context (NP_001124459.1, residues 1232-1252): PATVAEQPPS[Ile1242Thr]VVELYDHDTY